The following is an entry in ClinVar:

NM_005263.5(GFI1):c.398G>C (p.Arg133Pro)

Gene: GFI1 (growth factor independent 1 transcriptional repressor; minus strand). Cytogenetic location: 1p22.1.
Variant type: single nucleotide variant.
Coding change: c.398G>C on transcript NM_005263.5 (MANE Select); coding-DNA position 398, G replaced by C.
Protein change: p.Arg133Pro; replaces arginine 133 with proline.
Molecular consequence: missense variant.
Genome position (GRCh38, 1-based): chr1:92,480,989, C>G on the plus strand (G>C on the coding strand, the complement: GFI1 is on the minus strand). VCF-style: chr1-92480989-C-G. GRCh37 (hg19) VCF-style: chr1-92946546-C-G.
Other names: c.398G>C, p.Arg133Pro (NM_001127215.3, NM_001127216.3); short protein forms R133P.
Identifiers: ClinVar variation 1715907 (VCV001715907.5), dbSNP rs951596805, ClinGen allele CA341149919.

ClinVar aggregate classification (germline): Uncertain significance (1 of 4 stars; one submission).

Conditions:
Neutropenia, severe congenital, 2, autosomal dominant. Identifiers: Orphanet 486, MedGen C2751288, MONDO:0013139, OMIM 613107.

Submission:

Labcorp Genetics (formerly Invitae), Labcorp
Classification: Uncertain significance for Neutropenia, severe congenital, 2, autosomal dominant. Last evaluated: 2022-08-09. Review status: criteria provided, single submitter. Criteria: Invitae Variant Classification Sherloc (09022015). Collection method: clinical testing. Allele origin: germline.
Comment: This variant is not present in population databases (gnomAD no frequency). This sequence change replaces arginine, which is basic and polar, with proline, which is neutral and non-polar, at codon 133 of the GFI1 protein (p.Arg133Pro). This variant has not been reported in the literature in individuals affected with GFI1-related conditions. In summary, the available evidence is currently insufficient to determine the role of this variant in disease. Therefore, it has been classified as a Variant of Uncertain Significance. Algorithms developed to predict the effect of missense changes on protein structure and function are either unavailable or do not agree on the potential impact of this missense change (SIFT: "Deleterious"; PolyPhen-2: "Benign"; Align-GVGD: "Class C0").